The following is an entry in ClinVar:

NM_015311.3(OBSL1):c.5280C>T (p.Pro1760=)

Gene: OBSL1 (obscurin like cytoskeletal adaptor 1; minus strand). Cytogenetic location: 2q35.
Variant type: single nucleotide variant.
Coding change: c.5280C>T on transcript NM_015311.3 (MANE Select); coding-DNA position 5280, C replaced by T.
Protein change: p.Pro1760=; no amino-acid change (proline 1760 retained).
Molecular consequence: synonymous variant.
Genome position (GRCh38, 1-based): chr2:219,552,564, G>A on the plus strand (C>T on the coding strand, the complement: OBSL1 is on the minus strand). VCF-style: chr2-219552564-G-A. GRCh37 (hg19) VCF-style: chr2-220417286-G-A.
Identifiers: ClinVar variation 714168 (VCV000714168.17), dbSNP rs373081802, ClinGen allele CA2130310.

ClinVar aggregate classification (germline): Benign/Likely benign. Review status: criteria provided, multiple submitters, no conflicts (2 of 4 stars). 5 submissions from 5 submitters: Benign (3); Likely benign (2). Last evaluated 2026-05-13.

Conditions:
3M syndrome 2. Also called: 3-M Syndrome, OBSL1-Related; THREE M SYNDROME 2. Identifiers: Orphanet 2616, MedGen C2752041, MONDO:0013039, OMIM 612921.

Allele frequency attached by ClinVar (database versions not stated): gnomAD exomes 0.00110; ExAC 0.00183; ESP Exome Variant Server 0.00308; gnomAD 0.00398; TOPMed 0.00446; 1000 Genomes Project 0.00539; 1000 Genomes Project 30x 0.00578.
gnomAD v4.1: 1,183 of 1,595,674 alleles (0.074%); highest among the groups gnomAD compares: African/African-American, 1.4%; 4 homozygotes.

Submissions (5):

Women's Health and Genetics/Laboratory Corporation of America, LabCorp
Classification: Likely benign. Last evaluated: 2026-05-13. Review status: criteria provided, single submitter. Criteria: LabCorp Variant Classification Summary - May 2015. Collection method: clinical testing. Allele origin: germline.

Labcorp Genetics (formerly Invitae), Labcorp
Classification: Benign. Last evaluated: 2026-01-24. Review status: criteria provided, single submitter. Criteria: Invitae Variant Classification Sherloc (09022015). Collection method: clinical testing. Allele origin: germline.

Blueprint Genetics
Classification: Likely benign. Last evaluated: 2024-11-12. Review status: criteria provided, single submitter. Criteria: ACMG Guidelines, 2015. Collection method: clinical testing. Allele origin: germline.

Illumina Laboratory Services, Illumina
Classification: Benign for 3M syndrome 2. Last evaluated: 2018-01-13. Review status: criteria provided, single submitter. Criteria: ICSL Variant Classification Criteria 13 December 2019. Collection method: clinical testing. Allele origin: germline.
Comment: This variant was observed in the ICSL laboratory as part of a predisposition screen in an ostensibly healthy population. It had not been previously curated by ICSL or reported in the Human Gene Mutation Database (HGMD: prior to June 1st, 2018), and was therefore a candidate for classification through an automated scoring system. Utilizing variant allele frequency, disease prevalence and penetrance estimates, and inheritance mode, an automated score was calculated to assess if this variant is too frequent to cause the disease. Based on the score and internal cut-off values, a variant classified as benign is not then subjected to further curation. The score for this variant resulted in a classification of benign for this disease.

Breakthrough Genomics
Classification: Benign. Review status: criteria provided, single submitter. Criteria: ACMG Guidelines, 2015. Collection method: not provided. Allele origin: germline. Inheritance: Autosomal recessive inheritance. Affected: yes.